The following is an entry in ClinVar:

ClinVar aggregate classification (germline): Uncertain significance. Review status: criteria provided, multiple submitters, no conflicts (2 of 4 stars). 2 submissions from 2 submitters: Uncertain significance (2). Last evaluated 2024-04-19.

Conditions:
Finnish type amyloidosis. Also called: Amyloidosis, familial, Finnish type; Meretoja type amyloidosis; Amyloidosis 5; AMYLOIDOSIS, HEREDITARY SYSTEMIC 4, FINNISH TYPE; AMYLOID CRANIAL NEUROPATHY WITH LATTICE CORNEAL DYSTROPHY; AMYLOIDOSIS DUE TO MUTANT GELSOLIN. Identifiers: Orphanet 85448, MedGen C1622345, MONDO:0007097, OMIM 105120.

Allele frequency attached by ClinVar (database versions not stated): gnomAD exomes below 0.00001; TOPMed 0.00001.
gnomAD v4.1: 1 of 1,607,764 alleles (0.000062%); highest among the groups gnomAD compares: Non-Finnish European, 0.000085%; no homozygotes.

Submissions (2):

Fulgent Genetics
Classification: Uncertain significance for Finnish type amyloidosis. Last evaluated: 2024-04-19. Review status: criteria provided, single submitter. Criteria: ACMG Guidelines, 2015. Collection method: clinical testing. Allele origin: germline.

Labcorp Genetics (formerly Invitae), Labcorp
Classification: Uncertain significance. Last evaluated: 2022-05-31. Review status: criteria provided, single submitter. Criteria: Invitae Variant Classification Sherloc (09022015). Collection method: clinical testing. Allele origin: germline.
Comment: Experimental studies and prediction algorithms are not available or were not evaluated, and the functional significance of this variant is currently unknown. In summary, the available evidence is currently insufficient to determine the role of this variant in disease. Therefore, it has been classified as a Variant of Uncertain Significance. This variant has not been reported in the literature in individuals affected with GSN-related conditions. This variant is not present in population databases (gnomAD no frequency). This sequence change creates a premature translational stop signal (p.Gln716*) in the GSN gene. While this is not anticipated to result in nonsense mediated decay, it is expected to disrupt the last 67 amino acid(s) of the GSN protein.

NM_198252.3(GSN):c.1993C>T (p.Gln665Ter)

Gene: GSN (gelsolin; plus strand). Cytogenetic location: 9q33.2.
Variant type: single nucleotide variant.
Coding change: c.1993C>T on transcript NM_198252.3 (MANE Select); coding-DNA position 1993, C replaced by T.
Protein change: p.Gln665Ter; replaces glutamine 665 with a stop codon.
Molecular consequence: nonsense.
Genome position (GRCh38, 1-based): chr9:121,331,415, C>T. VCF-style: chr9-121331415-C-T. GRCh37 (hg19) VCF-style: chr9-124093693-C-T.
Other names: c.2146C>T, p.Gln716Ter (NM_000177.5); c.1993C>T, p.Gln665Ter (NM_001127662.2, NM_001127664.2, NM_001127665.2 and 10 more transcripts); c.2101C>T, p.Gln701Ter (NM_001127663.2); c.2026C>T, p.Gln676Ter (NM_001127666.2, NM_001127667.2, NM_001353063.2 and 13 more transcripts); c.2044C>T, p.Gln682Ter (NM_001258029.2); c.2017C>T, p.Gln673Ter (NM_001258030.2); c.2065C>T, p.Gln689Ter (NM_001353076.2); c.1339C>T, p.Gln447Ter (NM_001353078.2); short protein forms Q676*, Q689*, Q447*, Q682*, Q701*, Q716*, Q665*, Q673*.
Identifiers: ClinVar variation 1993470 (VCV001993470.5), dbSNP rs945772493, ClinGen allele CA199415976.
Genomic context (GRCh38, chr9:121,331,415, plus strand): 5'-TCATGTACCTTTCCTGTTGCATCTCACCTCCAGGTCTTTGTCTGGGTTGGAAAGGATTCT[C>T]AAGAAGAAGAAAAGACAGAAGCCTTGACTTCTGGTGAGGACCCGAGTGCCTGGGGGCGGG-3'